The following is an entry in ClinVar:

NM_001035.3(RYR2):c.14678T>C (p.Ile4893Thr)

Gene: RYR2 (ryanodine receptor 2; plus strand). Cytogenetic location: 1q43.
Variant type: single nucleotide variant.
Coding change: c.14678T>C on transcript NM_001035.3 (MANE Select); coding-DNA position 14678, T replaced by C.
Protein change: p.Ile4893Thr; replaces isoleucine 4893 with threonine.
Molecular consequence: missense variant.
Genome position (GRCh38, 1-based): chr1:237,830,552, T>C. VCF-style: chr1-237830552-T-C. GRCh37 (hg19) VCF-style: chr1-237993852-T-C.
Other names: short protein forms I4893T.
Identifiers: ClinVar variation 5009547 (VCV005009547.1).

ClinVar aggregate classification (germline): Uncertain significance (1 of 4 stars; one submission).

gnomAD v4.1: 2 of 1,606,770 alleles (0.00012%); highest among the groups gnomAD compares: African/African-American, 0.0013%; no homozygotes.

Submission:

GeneDx
Classification: Uncertain significance. Last evaluated: 2026-03-20. Review status: criteria provided, single submitter. Criteria: GeneDx Variant Classification Process June 2021. Collection method: clinical testing. Allele origin: germline.
Comment: Not observed at significant frequency in large population cohorts (gnomAD); In silico analysis supports that this missense variant has a deleterious effect on protein structure/function; Has not been previously published as pathogenic or benign to our knowledge; Located in one of the three hot-spot regions of the RYR2 gene, where the majority of pathogenic missense variants occur (PMID: 19926015); This variant is associated with the following publications: (PMID: 19926015)